The following is an entry in ClinVar:

ClinVar aggregate classification (germline): Uncertain significance. Review status: criteria provided, multiple submitters, no conflicts (2 of 4 stars). 2 submissions from 2 submitters: Uncertain significance (2). Last evaluated 2026-01-30.

Conditions:
KIDINS220-related disorder. Also called: KIDINS220-related condition.
Inborn genetic diseases. Identifiers: MedGen C0950123, MeSH D030342.

Submissions (2):

PreventionGenetics, part of Exact Sciences
Classification: Uncertain significance for KIDINS220-related condition. Last evaluated: 2026-01-30. Review status: criteria provided, single submitter. Criteria: ACMG Guidelines, 2015. Collection method: clinical testing. Allele origin: germline.
Comment: The KIDINS220 c.2947A>G variant is predicted to result in the amino acid substitution p.Ile983Val. To our knowledge, this variant has not been reported in the literature or in a large population database, indicating this variant is rare. At this time, the clinical significance of this variant is uncertain due to the absence of conclusive functional and genetic evidence.

Ambry Genetics
Classification: Uncertain significance for Inborn genetic diseases. Last evaluated: 2025-08-27. Review status: criteria provided, single submitter. Criteria: Ambry Variant Classification Scheme 2023. Collection method: clinical testing. Allele origin: germline.

NM_020738.4(KIDINS220):c.2947A>G (p.Ile983Val)

Gene: KIDINS220 (kinase D interacting substrate 220; minus strand). Cytogenetic location: 2p25.1.
Variant type: single nucleotide variant.
Coding change: c.2947A>G on transcript NM_020738.4 (MANE Select); coding-DNA position 2947, A replaced by G.
Protein change: p.Ile983Val; replaces isoleucine 983 with valine.
Molecular consequence: missense variant. On other transcripts: non-coding transcript variant (2).
Genome position (GRCh38, 1-based): chr2:8,770,734, T>C on the plus strand (A>G on the coding strand, the complement: KIDINS220 is on the minus strand). VCF-style: chr2-8770734-T-C. GRCh37 (hg19) VCF-style: chr2-8910864-T-C.
Other names: c.2950A>G, p.Ile984Val (NM_001348729.2, NM_001348731.2, NM_001348734.2 and 3 more transcripts); c.2947A>G, p.Ile983Val (NM_001348732.2, NM_001348735.2, NM_001348738.2 and 3 more transcripts); c.2821A>G, p.Ile941Val (NM_001348736.2); short protein forms I941V, I983V, I984V.
Identifiers: ClinVar variation 3354161 (VCV003354161.3).